The following is an entry in ClinVar:

ClinVar aggregate classification (germline): Uncertain significance (1 of 4 stars; one submission).

Conditions:
Hyperphosphatasia with impaired intellectual development syndrome 2. Also called: Hyperphosphatasia with intellectual disability syndrome 2; GLYCOSYLPHOSPHATIDYLINOSITOL BIOSYNTHESIS DEFECT 6. Identifiers: Orphanet 247262, MedGen C3553637, MONDO:0013882, OMIM 614749.

Allele frequency attached by ClinVar (database versions not stated): TOPMed 0.00001; gnomAD exomes 0.00001; ExAC 0.00001; gnomAD 0.00002.
gnomAD v4.1: 10 of 1,614,026 alleles (0.00062%); highest among the groups gnomAD compares: Non-Finnish European, 0.00076%; no homozygotes.

Submission:

Labcorp Genetics (formerly Invitae), Labcorp
Classification: Uncertain significance for Hyperphosphatasia with impaired intellectual development syndrome 2. Last evaluated: 2022-07-06. Review status: criteria provided, single submitter. Criteria: Invitae Variant Classification Sherloc (09022015). Collection method: clinical testing. Allele origin: germline.
Comment: This sequence change replaces glycine, which is neutral and non-polar, with arginine, which is basic and polar, at codon 287 of the PIGO protein (p.Gly287Arg). This variant is present in population databases (rs780295527, gnomAD 0.0008%). This variant has not been reported in the literature in individuals affected with PIGO-related conditions. ClinVar contains an entry for this variant (Variation ID: 1494446). Algorithms developed to predict the effect of missense changes on protein structure and function are either unavailable or do not agree on the potential impact of this missense change (SIFT: "Deleterious"; PolyPhen-2: "Probably Damaging"; Align-GVGD: "Class C15"). In summary, the available evidence is currently insufficient to determine the role of this variant in disease. Therefore, it has been classified as a Variant of Uncertain Significance.

NM_032634.4(PIGO):c.859G>A (p.Gly287Arg)

Gene: PIGO (phosphatidylinositol glycan anchor biosynthesis class O; minus strand). Cytogenetic location: 9p13.3.
Variant type: single nucleotide variant.
Coding change: c.859G>A on transcript NM_032634.4 (MANE Select); coding-DNA position 859, G replaced by A.
Protein change: p.Gly287Arg; replaces glycine 287 with arginine.
Molecular consequence: missense variant.
Genome position (GRCh38, 1-based): chr9:35,093,501, C>T on the plus strand (G>A on the coding strand, the complement: PIGO is on the minus strand). VCF-style: chr9-35093501-C-T. GRCh37 (hg19) VCF-style: chr9-35093498-C-T.
Other names: c.859G>A, p.Gly287Arg (NM_001201484.2, NM_152850.4); short protein forms G287R.
Identifiers: ClinVar variation 1494446 (VCV001494446.3), dbSNP rs780295527, ClinGen allele CA5040808.